The following is an entry in ClinVar:

ClinVar aggregate classification (germline): Likely pathogenic. Review status: criteria provided, single submitter (1 of 4 stars). 2 submissions from 2 submitters: Likely pathogenic (1). 1 of the submissions does not count toward it. Last evaluated 2021-08-27.

Conditions:
Autosomal recessive Alport syndrome (ATS2). Also called: COL4A4 Alport Syndrome and Thin Basement Membrane Nephropathy; COL4A3-Related Nephropathy; ALPORT SYNDROME 2, AUTOSOMAL RECESSIVE; Alport syndrome type 2. Identifiers: Orphanet 63, Orphanet 88919, MedGen C4746745, MONDO:0008762, OMIM 203780.

Submissions (2):

Labcorp Genetics (formerly Invitae), Labcorp
Classification: Likely pathogenic. Last evaluated: 2021-08-27. Review status: criteria provided, single submitter. Criteria: Invitae Variant Classification Sherloc (09022015). Collection method: clinical testing. Allele origin: germline.
Comment: In summary, the currently available evidence indicates that the variant is pathogenic, but additional data are needed to prove that conclusively. Therefore, this variant has been classified as Likely Pathogenic. Algorithms developed to predict the effect of sequence changes on RNA splicing suggest that this variant may disrupt the consensus splice site. ClinVar contains an entry for this variant (Variation ID: 553237). This variant has not been reported in the literature in individuals affected with COL4A3-related conditions. This variant is not present in population databases (ExAC no frequency). This sequence change affects an acceptor splice site in intron 14 of the COL4A3 gene. It is expected to disrupt RNA splicing. Variants that disrupt the donor or acceptor splice site typically lead to a loss of protein function (PMID: 16199547), and loss-of-function variants in COL4A3 are known to be pathogenic (PMID: 8956999, 24854265, 26809805, 27281700).

Counsyl
Classification: Likely pathogenic for Autosomal recessive Alport syndrome. Last evaluated: 2017-08-08. Review status: no assertion criteria provided. Collection method: clinical testing. Allele origin: unknown. Not counted in ClinVar's aggregate classification.

Literature cited by the submitters: PubMed 16199547 (cited by Labcorp Genetics (formerly Invitae), Labcorp); PubMed 8956999 (cited by Labcorp Genetics (formerly Invitae), Labcorp); PubMed 24854265 (cited by Labcorp Genetics (formerly Invitae), Labcorp); PubMed 26809805 (cited by Labcorp Genetics (formerly Invitae), Labcorp); PubMed 27281700 (cited by Labcorp Genetics (formerly Invitae), Labcorp).

NM_000091.5(COL4A3):c.829-2A>C

Genes: MFF-DT (MFF divergent transcript; minus strand), COL4A3 (collagen type IV alpha 3 chain; plus strand). Cytogenetic location: 2q36.3.
Variant type: single nucleotide variant.
Coding change: c.829-2A>C on transcript NM_000091.5 (MANE Select); the canonical splice acceptor site of the intron before coding-DNA position 829, A replaced by C.
Molecular consequence: splice acceptor variant.
Genome position (GRCh38, 1-based): chr2:227,254,654, A>C. VCF-style: chr2-227254654-A-C. GRCh37 (hg19) VCF-style: chr2-228119370-A-C.
Identifiers: ClinVar variation 553237 (VCV000553237.8), dbSNP rs1553753119, ClinGen allele CA350866110.